The following is an entry in ClinVar:

NM_182972.3(IRF2BP2):c.1420G>A (p.Val474Met)

Gene: IRF2BP2 (interferon regulatory factor 2 binding protein 2; minus strand). Cytogenetic location: 1q42.3.
Variant type: single nucleotide variant.
Coding change: c.1420G>A on transcript NM_182972.3 (MANE Select); coding-DNA position 1420, G replaced by A.
Protein change: p.Val474Met; replaces valine 474 with methionine.
Molecular consequence: missense variant.
Genome position (GRCh38, 1-based): chr1:234,607,481, C>T on the plus strand (G>A on the coding strand, the complement: IRF2BP2 is on the minus strand). VCF-style: chr1-234607481-C-T. GRCh37 (hg19) VCF-style: chr1-234743227-C-T.
Other names: c.1372G>A, p.Val458Met (NM_001077397.1); short protein forms V458M, V474M.
Identifiers: ClinVar variation 1958076 (VCV001958076.5), dbSNP rs748373429, ClinGen allele CA1461563.

ClinVar aggregate classification (germline): Uncertain significance (1 of 4 stars; one submission).

Allele frequency attached by ClinVar (database versions not stated): TOPMed below 0.00001; gnomAD 0.00001; ExAC 0.00002.
gnomAD v4.1: 32 of 1,614,018 alleles (0.002%); highest among the groups gnomAD compares: Non-Finnish European, 0.0026%; no homozygotes.

Submission:

Labcorp Genetics (formerly Invitae), Labcorp
Classification: Uncertain significance. Last evaluated: 2022-03-12. Review status: criteria provided, single submitter. Criteria: Invitae Variant Classification Sherloc (09022015). Collection method: clinical testing. Allele origin: germline.
Comment: Algorithms developed to predict the effect of missense changes on protein structure and function are either unavailable or do not agree on the potential impact of this missense change (SIFT: "Deleterious"; PolyPhen-2: "Probably Damaging"; Align-GVGD: "Class C0"). This variant has not been reported in the literature in individuals affected with IRF2BP2-related conditions. This variant is present in population databases (rs748373429, gnomAD 0.0009%). This sequence change replaces valine, which is neutral and non-polar, with methionine, which is neutral and non-polar, at codon 474 of the IRF2BP2 protein (p.Val474Met). In summary, the available evidence is currently insufficient to determine the role of this variant in disease. Therefore, it has been classified as a Variant of Uncertain Significance.